The following is an entry in ClinVar:

NM_020686.6(ABAT):c.434A>T (p.Gln145Leu)

Gene: ABAT (4-aminobutyrate aminotransferase; plus strand). Cytogenetic location: 16p13.2.
Variant type: single nucleotide variant.
Coding change: c.434A>T on transcript NM_020686.6 (MANE Select); coding-DNA position 434, A replaced by T.
Protein change: p.Gln145Leu; replaces glutamine 145 with leucine.
Molecular consequence: missense variant.
Genome position (GRCh38, 1-based): chr16:8,764,136, A>T. VCF-style: chr16-8764136-A-T. GRCh37 (hg19) VCF-style: chr16-8857993-A-T.
Other names: c.434A>T, p.Gln145Leu (NM_000663.5, NM_001127448.2, NM_001386600.1 and 10 more transcripts); c.299A>T, p.Gln100Leu (NM_001386610.1, NM_001386611.1, NM_001386612.1 and 1 more transcripts); c.188A>T, p.Gln63Leu (NM_001386614.1); c.530A>T, p.Gln177Leu (NM_001386615.1); short protein forms Q177L, Q100L, Q145L, Q63L.
Identifiers: ClinVar variation 2196203 (VCV002196203.4), dbSNP rs1429325504, ClinGen allele CA394688273.

ClinVar aggregate classification (germline): Uncertain significance (1 of 4 stars; one submission).

Conditions:
Gamma-aminobutyric acid transaminase deficiency (GABATD). Also called: GABA transaminase deficiency; Gamma aminobutyrate transaminase deficiency; 4 alpha aminobutyrate transaminase deficiency; GABA aminotransaminase deficiency. Identifiers: Orphanet 2066, MedGen C0342708, MONDO:0013166, OMIM 613163.

gnomAD v4.1: 1 of 1,612,446 alleles (0.000062%); highest among the groups gnomAD compares: Non-Finnish European, 0.000085%; no homozygotes.

Submission:

Labcorp Genetics (formerly Invitae), Labcorp
Classification: Uncertain significance for Gamma-aminobutyric acid transaminase deficiency. Last evaluated: 2022-04-10. Review status: criteria provided, single submitter. Criteria: Invitae Variant Classification Sherloc (09022015). Collection method: clinical testing. Allele origin: germline.
Comment: This sequence change replaces glutamine, which is neutral and polar, with leucine, which is neutral and non-polar, at codon 145 of the ABAT protein (p.Gln145Leu). This variant is present in population databases (no rsID available, gnomAD 0.0009%). This variant has not been reported in the literature in individuals affected with ABAT-related conditions. Algorithms developed to predict the effect of missense changes on protein structure and function (SIFT, PolyPhen-2, Align-GVGD) all suggest that this variant is likely to be tolerated. In summary, the available evidence is currently insufficient to determine the role of this variant in disease. Therefore, it has been classified as a Variant of Uncertain Significance.